The following is an entry in ClinVar:

NM_000642.3(AGL):c.4306A>C (p.Asn1436His)

Gene: AGL (amylo-alpha-1,6-glucosidase and 4-alpha-glucanotransferase; plus strand). Cytogenetic location: 1p21.2.
Variant type: single nucleotide variant.
Coding change: c.4306A>C on transcript NM_000642.3 (MANE Select); coding-DNA position 4306, A replaced by C.
Protein change: p.Asn1436His; replaces asparagine 1436 with histidine.
Molecular consequence: missense variant.
Genome position (GRCh38, 1-based): chr1:99,916,456, A>C. VCF-style: chr1-99916456-A-C. GRCh37 (hg19) VCF-style: chr1-100382012-A-C.
Other names: c.4306A>C, p.Asn1436His (NM_000028.3, NM_000643.3, NM_000644.3 and 1 more transcripts); c.4258A>C, p.Asn1420His (NM_000646.3); c.4285A>C, p.Asn1429His (NM_001425326.1); c.4105A>C, p.Asn1369His (NM_001425327.1); c.4102A>C, p.Asn1368His (NM_001425328.1); c.3967A>C, p.Asn1323His (NM_001425329.1); c.3928A>C, p.Asn1310His (NM_001425332.1); c.4306A>C (NM_000642.2); short protein forms N1420H, N1436H, N1310H, N1323H, N1368H, N1369H, N1429H.
Identifiers: ClinVar variation 1391196 (VCV001391196.8), dbSNP rs372262923, ClinGen allele CA967394.

ClinVar aggregate classification (germline): Uncertain significance. Review status: criteria provided, multiple submitters, no conflicts (2 of 4 stars). 3 submissions from 3 submitters: Uncertain significance (3). Last evaluated 2024-10-04.

Conditions:
Glycogen storage disease type III (GSD3). Also called: Cori disease; FORBES DISEASE. Identifiers: Orphanet 366, MedGen C0017922, MONDO:0009291, OMIM 232400.
Inborn genetic diseases. Identifiers: MedGen C0950123, MeSH D030342.

Allele frequency attached by ClinVar (database versions not stated): gnomAD exomes below 0.00001; ExAC 0.00001; gnomAD 0.00001; TOPMed 0.00001; ESP Exome Variant Server 0.00008.
gnomAD v4.1: 3 of 1,612,768 alleles (0.00019%); highest among the groups gnomAD compares: Non-Finnish European, 0.00025%; no homozygotes.

Submissions (3):

Ambry Genetics
Classification: Uncertain significance for Inborn genetic diseases. Last evaluated: 2024-10-04. Review status: criteria provided, single submitter. Criteria: Ambry Variant Classification Scheme 2023. Collection method: clinical testing. Allele origin: germline.

Labcorp Genetics (formerly Invitae), Labcorp
Classification: Uncertain significance for Glycogen storage disease type III. Last evaluated: 2024-08-28. Review status: criteria provided, single submitter. Criteria: Invitae Variant Classification Sherloc (09022015). Collection method: clinical testing. Allele origin: germline.
Comment: This sequence change replaces asparagine, which is neutral and polar, with histidine, which is basic and polar, at codon 1436 of the AGL protein (p.Asn1436His). This variant is present in population databases (rs372262923, gnomAD 0.0009%). This variant has not been reported in the literature in individuals affected with AGL-related conditions. ClinVar contains an entry for this variant (Variation ID: 1391196). Invitae Evidence Modeling of protein sequence and biophysical properties (such as structural, functional, and spatial information, amino acid conservation, physicochemical variation, residue mobility, and thermodynamic stability) indicates that this missense variant is expected to disrupt AGL protein function with a positive predictive value of 80%. In summary, the available evidence is currently insufficient to determine the role of this variant in disease. Therefore, it has been classified as a Variant of Uncertain Significance.

Blueprint Genetics
Classification: Uncertain significance. Last evaluated: 2023-11-20. Review status: criteria provided, single submitter. Criteria: ACMG Guidelines, 2015. Collection method: clinical testing. Allele origin: germline.